The following is an entry in ClinVar:

NM_003978.5(PSTPIP1):c.1028G>A (p.Gly343Asp)

Gene: PSTPIP1 (proline-serine-threonine phosphatase interacting protein 1; plus strand). Cytogenetic location: 15q24.3.
Variant type: single nucleotide variant.
Coding change: c.1028G>A on transcript NM_003978.5 (MANE Select); coding-DNA position 1028, G replaced by A.
Protein change: p.Gly343Asp; replaces glycine 343 with aspartic acid.
Molecular consequence: missense variant. On other transcripts: non-coding transcript variant (1).
Genome position (GRCh38, 1-based): chr15:77,035,844, G>A. VCF-style: chr15-77035844-G-A. GRCh37 (hg19) VCF-style: chr15-77328185-G-A.
Other names: c.971G>A, p.Gly324Asp (NM_001321135.2); c.1001G>A, p.Gly334Asp (NM_001321136.2); c.1223G>A, p.Gly408Asp (NM_001321137.1); c.1019G>A, p.Gly340Asp (NM_001411086.1); short protein forms G324D, G334D, G340D, G343D, G408D.
Identifiers: ClinVar variation 3766855 (VCV003766855.1).

ClinVar aggregate classification (germline): Uncertain significance (1 of 4 stars; one submission).

Conditions:
Pyogenic arthritis-pyoderma gangrenosum-acne syndrome (PAPA). Also called: PAPA SYNDROME; FAMILIAL RECURRENT ARTHRITIS. Identifiers: Orphanet 69126, MedGen C1858361, MONDO:0011462, OMIM 604416.

gnomAD v4.1: 1 of 1,610,544 alleles (0.000062%); highest among the groups gnomAD compares: Non-Finnish European, 0.000085%; no homozygotes.

Submission:

ARUP Laboratories, Molecular Genetics and Genomics, ARUP Laboratories
Classification: Uncertain significance for Pyogenic arthritis-pyoderma gangrenosum-acne syndrome. Last evaluated: 2023-12-29. Review status: criteria provided, single submitter. Criteria: ARUP Molecular Germline Variant Investigation Process 2024. Collection method: clinical testing. Allele origin: germline.
Comment: The PSTPIP1 c.1028G>A; p.Gly343Asp variant, to our knowledge, is not reported in the medical literature or gene specific databases. This variant is also absent from the Genome Aggregation Database (v2.1.1), indicating it is not a common polymorphism. Computational analyses predict that this variant is neutral (REVEL: 0.04). However, given the lack of clinical and functional data, the significance of this variant is uncertain at this time.